The following is an entry in ClinVar:

ClinVar aggregate classification (germline): Uncertain significance (1 of 4 stars; one submission).

Conditions:
Inborn genetic diseases. Identifiers: MedGen C0950123, MeSH D030342.

gnomAD v4.1: 1 of 1,610,880 alleles (0.000062%); highest among the groups gnomAD compares: Non-Finnish European, 0.000085%; no homozygotes.

Submission:

Ambry Genetics
Classification: Uncertain significance for Inborn genetic diseases. Last evaluated: 2025-02-28. Review status: criteria provided, single submitter. Criteria: Ambry Variant Classification Scheme 2023. Collection method: clinical testing. Allele origin: germline.
Comment: The p.E17Q variant (also known as c.49G>C), located in coding exon 1 of the SAMD9L gene, results from a G to C substitution at nucleotide position 49. The glutamic acid at codon 17 is replaced by glutamine, an amino acid with highly similar properties. This amino acid position is conserved. In addition, this alteration is predicted to be tolerated by in silico analysis. Based on the available evidence, the clinical significance of this variant remains unclear.

NM_152703.5(SAMD9L):c.49G>C (p.Glu17Gln)

Gene: SAMD9L (sterile alpha motif domain containing 9 like; minus strand). Cytogenetic location: 7q21.2.
Variant type: single nucleotide variant.
Coding change: c.49G>C on transcript NM_152703.5 (MANE Select); coding-DNA position 49, G replaced by C.
Protein change: p.Glu17Gln; replaces glutamic acid 17 with glutamine.
Molecular consequence: missense variant.
Genome position (GRCh38, 1-based): chr7:93,135,923, C>G on the plus strand (G>C on the coding strand, the complement: SAMD9L is on the minus strand). VCF-style: chr7-93135923-C-G. GRCh37 (hg19) VCF-style: chr7-92765236-C-G.
Other names: c.49G>C, p.Glu17Gln (NM_001303496.3, NM_001303497.3, NM_001303498.3 and 5 more transcripts); short protein forms E17Q.
Identifiers: ClinVar variation 3792464 (VCV003792464.1).